The following is an entry in ClinVar:

ClinVar aggregate classification (germline): Likely benign. Review status: criteria provided, multiple submitters, no conflicts (2 of 4 stars). 4 submissions from 4 submitters: Likely benign (4). Last evaluated 2025-09-18.

Conditions:
Cardiomyopathy (CMYO). Also called: Cardiomyopathies. Identifiers: Orphanet 167848, MedGen C0878544, MONDO:0004994, HP:0001638. Inheritance: Various modes of inheritance.
Arrhythmogenic right ventricular dysplasia 8 (ARVD8). Also called: Arrhythmogenic Right Ventricular Dysplasia/Cardiomyopathy 8; ARRHYTHMOGENIC RIGHT VENTRICULAR DYSPLASIA, FAMILIAL, 8; ARRHYTHMOGENIC RIGHT VENTRICULAR CARDIOMYOPATHY 8. Identifiers: MedGen C1843896, MONDO:0011831, OMIM 607450.
Arrhythmogenic cardiomyopathy with wooly hair and keratoderma. Also called: PALMOPLANTAR KERATODERMA WITH LEFT VENTRICULAR CARDIOMYOPATHY AND WOOLLY HAIR; Carvajal syndrome; Dilated cardiomyopathy with woolly hair and keratoderma; Arrhythmogenic cardiomyopathy with woolly hair and keratoderma. Identifiers: Orphanet 65282, MedGen C1854063, MONDO:0011581, OMIM 605676.
Cardiovascular phenotype. Identifiers: MedGen CN230736.

Submissions (4):

Ambry Genetics
Classification: Likely benign for Cardiovascular phenotype. Last evaluated: 2025-09-18. Review status: criteria provided, single submitter. Criteria: Ambry Variant Classification Scheme 2023. Collection method: clinical testing. Allele origin: germline.

Labcorp Genetics (formerly Invitae), Labcorp
Classification: Likely benign for Arrhythmogenic cardiomyopathy with wooly hair and keratoderma; Arrhythmogenic right ventricular dysplasia 8. Last evaluated: 2025-03-03. Review status: criteria provided, single submitter. Criteria: Invitae Variant Classification Sherloc (09022015). Collection method: clinical testing. Allele origin: germline.

All of Us Research Program, National Institutes of Health
Classification: Likely benign for Arrhythmogenic cardiomyopathy with wooly hair and keratoderma. Last evaluated: 2023-11-02. Review status: criteria provided, single submitter. Criteria: ACMG Guidelines, 2015. Collection method: clinical testing. Allele origin: germline. Inheritance: Autosomal dominant inheritance. Observed: 1 variant allele, 1 heterozygote.
Comment: This study involves interpretation of variants in research participants for the purpose of population health screening. Participant phenotype was not available at the time of variant classification. Additional details can be found in publication PMID: 35346344, PMCID: PMC8962531

Color Diagnostics, LLC DBA Color Health
Classification: Likely benign for Cardiomyopathy. Last evaluated: 2020-01-28. Review status: criteria provided, single submitter. Criteria: ACMG Guidelines, 2015. Collection method: clinical testing. Allele origin: germline.

NM_004415.4(DSP):c.4104C>T (p.Thr1368=)

Gene: DSP (desmoplakin; plus strand). Cytogenetic location: 6p24.3.
Variant type: single nucleotide variant.
Coding change: c.4104C>T on transcript NM_004415.4 (MANE Select); coding-DNA position 4104, C replaced by T.
Protein change: p.Thr1368=; no amino-acid change (threonine 1368 retained).
Molecular consequence: synonymous variant. On other transcripts: intron variant (2).
Genome position (GRCh38, 1-based): chr6:7,580,294, C>T. VCF-style: chr6-7580294-C-T. GRCh37 (hg19) VCF-style: chr6-7580527-C-T.
Other names: c.4050+54C>T (NM_001319034.2); c.3582+522C>T (NM_001008844.3).
Identifiers: ClinVar variation 921241 (VCV000921241.7), dbSNP rs1464715776, ClinGen allele CA448714843.